The following is an entry in ClinVar:

ClinVar aggregate classification (germline): Uncertain significance (1 of 4 stars; one submission).

Submission:

Labcorp Genetics (formerly Invitae), Labcorp
Classification: Uncertain significance. Last evaluated: 2024-05-06. Review status: criteria provided, single submitter. Criteria: Invitae Variant Classification Sherloc (09022015). Collection method: clinical testing. Allele origin: germline.
Comment: This sequence change replaces serine, which is neutral and polar, with arginine, which is basic and polar, at codon 2282 of the MACF1 protein (p.Ser2282Arg). This variant is not present in population databases (gnomAD no frequency). This variant has not been reported in the literature in individuals affected with MACF1-related conditions. An algorithm developed to predict the effect of missense changes on protein structure and function (PolyPhen-2) suggests that this variant is likely to be tolerated. In summary, the available evidence is currently insufficient to determine the role of this variant in disease. Therefore, it has been classified as a Variant of Uncertain Significance.

NM_001394062.1(MACF1):c.13032T>G (p.Ser4344Arg)

Gene: MACF1 (microtubule actin crosslinking factor 1; plus strand). Cytogenetic location: 1p34.3.
Variant type: single nucleotide variant.
Coding change: c.13032T>G on transcript NM_001394062.1 (MANE Select); coding-DNA position 13032, T replaced by G.
Protein change: p.Ser4344Arg; replaces serine 4344 with arginine.
Molecular consequence: missense variant.
Genome position (GRCh38, 1-based): chr1:39,370,123, T>G. VCF-style: chr1-39370123-T-G. GRCh37 (hg19) VCF-style: chr1-39835795-T-G.
Other names: c.6846T>G, p.Ser2282Arg (NM_012090.5); short protein forms S4344R, S2282R.
Identifiers: ClinVar variation 3649529 (VCV003649529.2).
Genomic context (GRCh38, chr1:39,370,123, plus strand): 5'-GGATGAATTCCGGAAGCTGGTCAGGACCTTCCAGAAATGGTTGAAAGAAACTGAAGGGAG[T>G]ATTCCACCTACGGAAACTTCTATGAGTGCTAAAGAGTTAGAAAAGCAGATTGAACACCTG-3'
Protein context (NP_001380991.1, residues 4334-4354): FQKWLKETEG[Ser4344Arg]IPPTETSMSA